The following is an entry in ClinVar:

ClinVar aggregate classification (germline): Conflicting classifications of pathogenicity. Review status: criteria provided, conflicting classifications (1 of 4 stars). 3 submissions from 3 submitters: Uncertain significance (2); Likely benign (1). Last evaluated 2025-07-01.

Conditions:
Basal ganglia calcification, idiopathic, 7, autosomal recessive. Also called: PRIMARY FAMILIAL BRAIN CALCIFICATION 7, AUTOSOMAL RECESSIVE. Identifiers: MedGen C5193025, MONDO:0032673, OMIM 618317.

Allele frequency attached by ClinVar (database versions not stated): ExAC 0.00007.

Submissions (3):

Ambry Genetics
Classification: Uncertain significance. Last evaluated: 2025-07-01. Review status: criteria provided, single submitter. Criteria: Ambry Variant Classification Scheme 2023. Collection method: clinical testing. Allele origin: germline.

3billion
Classification: Likely benign for Basal ganglia calcification, idiopathic, 7, autosomal recessive. Last evaluated: 2024-09-20. Review status: criteria provided, single submitter. Criteria: ACMG Guidelines, 2015. Collection method: clinical testing. Allele origin: germline. Affected: no.
Comment: The homozygous variant was found in patients diagnosed with another variant in a different gene, with no symptoms related to the gene containing the homozygous variant.

Labcorp Genetics (formerly Invitae), Labcorp
Classification: Uncertain significance. Last evaluated: 2021-08-27. Review status: criteria provided, single submitter. Criteria: Invitae Variant Classification Sherloc (09022015). Collection method: clinical testing. Allele origin: germline.
Comment: This sequence change replaces histidine with glutamine at codon 349 of the KIAA1161 protein (p.His349Gln). The histidine residue is moderately conserved and there is a small physicochemical difference between histidine and glutamine. This variant is present in population databases (rs370677884, ExAC 0.08%). This variant has not been reported in the literature in individuals affected with KIAA1161-related conditions. Algorithms developed to predict the effect of missense changes on protein structure and function are either unavailable or do not agree on the potential impact of this missense change (SIFT: "Tolerated"; PolyPhen-2: "Not Available"; Align-GVGD: "Class C0"). In summary, the available evidence is currently insufficient to determine the role of this variant in disease. Therefore, it has been classified as a Variant of Uncertain Significance.

NM_020702.5(MYORG):c.1047C>A (p.His349Gln)

Gene: MYORG (myogenesis regulating glycosidase; minus strand). Cytogenetic location: 9p13.3.
Variant type: single nucleotide variant.
Coding change: c.1047C>A on transcript NM_020702.5 (MANE Select); coding-DNA position 1047, C replaced by A.
Protein change: p.His349Gln; replaces histidine 349 with glutamine.
Molecular consequence: missense variant.
Genome position (GRCh38, 1-based): chr9:34,371,897, G>T on the plus strand (C>A on the coding strand, the complement: MYORG is on the minus strand). VCF-style: chr9-34371897-G-T. GRCh37 (hg19) VCF-style: chr9-34371895-G-T.
Other names: c.1047C>A (NM_020702.3); short protein forms H349Q.
Identifiers: ClinVar variation 2049918 (VCV002049918.5), dbSNP rs370677884, ClinGen allele CA5033017.